The following is an entry in ClinVar:

ClinVar aggregate classification (germline): Uncertain significance (1 of 4 stars; one submission).

gnomAD v4.1: 1 of 1,609,490 alleles (0.000062%); highest among the groups gnomAD compares: Non-Finnish European, 0.000085%; no homozygotes.

Submission:

Labcorp Genetics (formerly Invitae), Labcorp
Classification: Uncertain significance. Last evaluated: 2024-11-10. Review status: criteria provided, single submitter. Criteria: Invitae Variant Classification Sherloc (09022015). Collection method: clinical testing. Allele origin: germline.
Comment: This sequence change replaces glutamine, which is neutral and polar, with glutamic acid, which is acidic and polar, at codon 667 of the PLEKHM2 protein (p.Gln667Glu). This variant is not present in population databases (gnomAD no frequency). This variant has not been reported in the literature in individuals affected with PLEKHM2-related conditions. An algorithm developed to predict the effect of missense changes on protein structure and function (PolyPhen-2) suggests that this variant is likely to be tolerated. In summary, the available evidence is currently insufficient to determine the role of this variant in disease. Therefore, it has been classified as a Variant of Uncertain Significance.

NM_015164.4(PLEKHM2):c.1999C>G (p.Gln667Glu)

Gene: PLEKHM2 (pleckstrin homology and RUN domain containing M2; plus strand). Cytogenetic location: 1p36.21.
Variant type: single nucleotide variant.
Coding change: c.1999C>G on transcript NM_015164.4 (MANE Select); coding-DNA position 1999, C replaced by G.
Protein change: p.Gln667Glu; replaces glutamine 667 with glutamic acid.
Molecular consequence: missense variant.
Genome position (GRCh38, 1-based): chr1:15,729,114, C>G. VCF-style: chr1-15729114-C-G. GRCh37 (hg19) VCF-style: chr1-16055609-C-G.
Other names: c.1939C>G, p.Gln647Glu (NM_001410755.1); short protein forms Q667E, Q647E.
Identifiers: ClinVar variation 3668038 (VCV003668038.2).